The following is an entry in ClinVar:

ClinVar aggregate classification (germline): Pathogenic/Likely pathogenic. Review status: criteria provided, multiple submitters, no conflicts (2 of 4 stars). 3 submissions from 3 submitters: Pathogenic (1); Likely pathogenic (2). Last evaluated 2025-11-07.

Conditions:
Spastic paraplegia. Identifiers: MedGen C0037772, HP:0001258.
Charlevoix-Saguenay spastic ataxia (SACS). Also called: AUTOSOMAL RECESSIVE SPASTIC ATAXIA OF CHARLEVOIX-SAGUENAY; SPASTIC ATAXIA 6, AUTOSOMAL RECESSIVE; Spastic ataxia of Charlevoix-Saguenay. Identifiers: Orphanet 98, MedGen C1849140, MONDO:0010041, OMIM 270550.

Submissions (3):

Natera, Inc.
Classification: Likely pathogenic for Charlevoix-Saguenay type spastic ataxia. Last evaluated: 2025-11-07. Review status: criteria provided, single submitter. Criteria: Natera Variant Classification Schema (03/2026). Collection method: clinical testing. Allele origin: germline.
Comment: The c.12536delG variant in SACS is a frameshift variant predicted to shift the reading frame beginning at codon 4179 and leads to a stop codon 43 codons downstream. This variant is expected to result in nonsense mediated decay, truncation, or a dysfunctional protein product. This variant is rare in the general population with a frequency below the threshold expected for the associated phenotype(s). This variant has been observed in one or more individuals affected with the associated recessive disease, as either homozygous or compound heterozygous with a second variant (PMID: 36964972). Given the available evidence, this variant is classified as Likely Pathogenic.

Labcorp Genetics (formerly Invitae), Labcorp
Classification: Pathogenic for Spastic paraplegia. Last evaluated: 2024-02-18. Review status: criteria provided, single submitter. Criteria: Invitae Variant Classification Sherloc (09022015). Collection method: clinical testing. Allele origin: germline.
Comment: This sequence change creates a premature translational stop signal (p.Gly4179Glufs*43) in the SACS gene. While this is not anticipated to result in nonsense mediated decay, it is expected to disrupt the last 401 amino acid(s) of the SACS protein. This variant is not present in population databases (gnomAD no frequency). This variant has not been reported in the literature in individuals affected with SACS-related conditions. ClinVar contains an entry for this variant (Variation ID: 1069256). This variant disrupts a region of the SACS protein in which other variant(s) (p.Asn4549Asp, p.Glu4510Argfs*4) have been determined to be pathogenic (PMID: 15156359, 21507954, 29915382). This suggests that this is a clinically significant region of the protein, and that variants that disrupt it are likely to be disease-causing. For these reasons, this variant has been classified as Pathogenic.

Fulgent Genetics
Classification: Likely pathogenic for Charlevoix-Saguenay spastic ataxia. Last evaluated: 2024-01-09. Review status: criteria provided, single submitter. Criteria: ACMG Guidelines, 2015. Collection method: clinical testing. Allele origin: germline.

Literature cited by the submitters: PubMed 36964972 (cited by Natera, Inc.); PubMed 15156359 (cited by Labcorp Genetics (formerly Invitae), Labcorp); PubMed 21507954 (cited by Labcorp Genetics (formerly Invitae), Labcorp); PubMed 29915382 (cited by Labcorp Genetics (formerly Invitae), Labcorp).

NM_014363.6(SACS):c.12536del (p.Gly4179fs)

Gene: SACS (sacsin molecular chaperone; minus strand). Cytogenetic location: 13q12.12.
Variant type: Deletion.
Coding change: c.12536del on transcript NM_014363.6 (MANE Select); coding-DNA position 12536, one base deleted (G; older notation c.12536delG).
Protein change: p.Gly4179fs; shifts the reading frame from glycine 4179.
Molecular consequence: frameshift variant.
Genome position (GRCh38, 1-based): chr13:23,331,340, C deleted on the plus strand (G on the coding strand, the reverse complement: SACS is on the minus strand); the first of 3 consecutive C bases (chr13:23,331,340-23,331,342); deleting any one gives the same sequence. VCF-style (leftmost placement, unchanged base first): chr13-23331339-TC-T. GRCh37 (hg19) VCF-style: chr13-23905478-TC-T.
Other names: c.12095del, p.Gly4032fs (NM_001278055.2); c.12536delG (NM_014363.5); short protein forms G4032fs, G4179fs.
Identifiers: ClinVar variation 1069256 (VCV001069256.11), dbSNP rs2137557859, ClinGen allele CA2499221966.